The following is an entry in ClinVar:

ClinVar aggregate classification (germline): Uncertain significance (1 of 4 stars; one submission).

Conditions:
PCNT-related disorder. Also called: PCNT-related condition.

Submission:

PreventionGenetics, part of Exact Sciences
Classification: Uncertain significance for PCNT-related condition. Last evaluated: 2025-03-29. Review status: criteria provided, single submitter. Criteria: ACMG Guidelines, 2015. Collection method: clinical testing. Allele origin: germline.
Comment: The PCNT c.1543G>C variant is predicted to result in the amino acid substitution p.Glu515Gln. To our knowledge, this variant has not been reported in the literature or in a large population database (gnomAD), indicating this variant is rare. At this time, the clinical significance of this variant is uncertain due to the absence of conclusive functional and genetic evidence.

NM_006031.6(PCNT):c.1543G>C (p.Glu515Gln)

Gene: PCNT (pericentrin; plus strand). Cytogenetic location: 21q22.3.
Variant type: single nucleotide variant.
Coding change: c.1543G>C on transcript NM_006031.6 (MANE Select); coding-DNA position 1543, G replaced by C.
Protein change: p.Glu515Gln; replaces glutamic acid 515 with glutamine.
Molecular consequence: missense variant.
Genome position (GRCh38, 1-based): chr21:46,353,190, G>C. VCF-style: chr21-46353190-G-C. GRCh37 (hg19) VCF-style: chr21-47773104-G-C.
Other names: c.1189G>C, p.Glu397Gln (NM_001315529.2); short protein forms E397Q, E515Q.
Identifiers: ClinVar variation 5000977 (VCV005000977.1).